The following is an entry in ClinVar:

ClinVar aggregate classification (germline): Uncertain significance (1 of 4 stars; one submission).

Allele frequency attached by ClinVar (database versions not stated): gnomAD 0.00001; TOPMed 0.00002; gnomAD exomes 0.00003.
gnomAD v4.1: 50 of 1,607,446 alleles (0.0031%); highest among the groups gnomAD compares: Non-Finnish European, 0.0041%; no homozygotes.

Submission:

Labcorp Genetics (formerly Invitae), Labcorp
Classification: Uncertain significance. Last evaluated: 2024-02-24. Review status: criteria provided, single submitter. Criteria: Invitae Variant Classification Sherloc (09022015). Collection method: clinical testing. Allele origin: germline.
Comment: This sequence change replaces alanine, which is neutral and non-polar, with valine, which is neutral and non-polar, at codon 354 of the SIRT1 protein (p.Ala354Val). This variant is not present in population databases (gnomAD no frequency). This variant has not been reported in the literature in individuals affected with SIRT1-related conditions. ClinVar contains an entry for this variant (Variation ID: 1915359). An algorithm developed to predict the effect of missense changes on protein structure and function (PolyPhen-2) suggests that this variant is likely to be disruptive. In summary, the available evidence is currently insufficient to determine the role of this variant in disease. Therefore, it has been classified as a Variant of Uncertain Significance.

NM_012238.5(SIRT1):c.1061C>T (p.Ala354Val)

Gene: SIRT1 (sirtuin 1; plus strand). Cytogenetic location: 10q21.3.
Variant type: single nucleotide variant.
Coding change: c.1061C>T on transcript NM_012238.5 (MANE Select); coding-DNA position 1061, C replaced by T.
Protein change: p.Ala354Val; replaces alanine 354 with valine.
Molecular consequence: missense variant.
Genome position (GRCh38, 1-based): chr10:67,906,908, C>T. VCF-style: chr10-67906908-C-T. GRCh37 (hg19) VCF-style: chr10-69666665-C-T.
Other names: c.176C>T, p.Ala59Val (NM_001142498.2); c.152C>T, p.Ala51Val (NM_001314049.2); short protein forms A354V, A51V, A59V.
Identifiers: ClinVar variation 1915359 (VCV001915359.5), dbSNP rs141528984, ClinGen allele CA208376216.
Genomic context (GRCh38, chr10:67,906,908, plus strand): 5'-ATAAGGAAGGAAAACTACTTCGCAACTATACCCAGAACATAGACACGCTGGAACAGGTTG[C>T]GGGAATCCAAAGGATAATTCAGTGTCATGGTTAGTAAACTTCAGAGTGGTTTTCTGTAAT-3'
Protein context (NP_036370.2, residues 344-364): TQNIDTLEQV[Ala354Val]GIQRIIQCHG